The following is an entry in ClinVar:

ClinVar aggregate classification (germline): Uncertain significance (1 of 4 stars; one submission).

gnomAD v4.1: 2 of 1,614,170 alleles (0.00012%); highest among the groups gnomAD compares: Admixed American, 0.0033%; no homozygotes.

Submission:

Labcorp Genetics (formerly Invitae), Labcorp
Classification: Uncertain significance. Last evaluated: 2022-10-04. Review status: criteria provided, single submitter. Criteria: Invitae Variant Classification Sherloc (09022015). Collection method: clinical testing. Allele origin: germline.
Comment: This variant is not present in population databases (gnomAD no frequency). In summary, the available evidence is currently insufficient to determine the role of this variant in disease. Therefore, it has been classified as a Variant of Uncertain Significance. Advanced modeling of protein sequence and biophysical properties (such as structural, functional, and spatial information, amino acid conservation, physicochemical variation, residue mobility, and thermodynamic stability) performed at Invitae indicates that this missense variant is not expected to disrupt NBAS protein function. This variant has not been reported in the literature in individuals affected with NBAS-related conditions. This sequence change replaces tyrosine, which is neutral and polar, with cysteine, which is neutral and slightly polar, at codon 927 of the NBAS protein (p.Tyr927Cys).

NM_015909.4(NBAS):c.2780A>G (p.Tyr927Cys)

Gene: NBAS (NBAS subunit of NRZ tethering complex; minus strand). Cytogenetic location: 2p24.3.
Variant type: single nucleotide variant.
Coding change: c.2780A>G on transcript NM_015909.4 (MANE Select); coding-DNA position 2780, A replaced by G.
Protein change: p.Tyr927Cys; replaces tyrosine 927 with cysteine.
Molecular consequence: missense variant. On other transcripts: non-coding transcript variant (1).
Genome position (GRCh38, 1-based): chr2:15,415,703, T>C on the plus strand (A>G on the coding strand, the complement: NBAS is on the minus strand). VCF-style: chr2-15415703-T-C. GRCh37 (hg19) VCF-style: chr2-15555827-T-C.
Other names: short protein forms Y927C.
Identifiers: ClinVar variation 1943201 (VCV001943201.4), dbSNP rs1264436759, ClinGen allele CA345885903.